The following is an entry in ClinVar:

NM_000543.5(SMPD1):c.722del (p.Pro241fs)

Gene: SMPD1 (sphingomyelin phosphodiesterase 1; plus strand). Cytogenetic location: 11p15.4.
Variant type: Deletion.
Coding change: c.722del on transcript NM_000543.5 (MANE Select); coding-DNA position 722, one base deleted (C; older notation c.722delC).
Protein change: p.Pro241fs; shifts the reading frame from proline 241.
Molecular consequence: frameshift variant. On other transcripts: 5 prime UTR variant (1), non-coding transcript variant (1).
Genome position (GRCh38, 1-based): chr11:6,391,787, C deleted; the last of 2 consecutive C bases (chr11:6,391,786-6,391,787); deleting either gives the same sequence. VCF-style (leftmost placement, unchanged base first): chr11-6391785-GC-G. GRCh37 (hg19) VCF-style: chr11-6413015-GC-G.
Other names: c.719del, p.Pro240fs (NM_001007593.3); c.722del, p.Pro241fs (NM_001318087.2, NM_001365135.2); c.-240del (NM_001318088.2); short protein forms P240fs, P241fs.
Identifiers: ClinVar variation 1725022 (VCV001725022.3), dbSNP rs2493806137, ClinGen allele CA2580083981.

ClinVar aggregate classification (germline): Likely pathogenic (1 of 4 stars; one submission).

Conditions:
Acid sphingomyelinase deficiency. Identifiers: Orphanet 618899, MedGen C5243927, MONDO:0100464.

Submission:

Myriad Genetics, Inc.
Classification: Likely pathogenic for Acid sphingomyelinase deficiency. Last evaluated: 2022-03-05. Review status: criteria provided, single submitter. Criteria: Myriad Autosomal Dominant, Autosomal Recessive and X-Linked Classification Criteria (2023). Collection method: clinical testing. Allele origin: unknown.
Comment: NM_000543.4(SMPD1):c.722delC(P241Qfs*16) is expected to be pathogenic in the context of Niemann-Pick disease, SMPD1-related. This variant is predicted to lead to an abnormal or absent protein product due to the creation of a premature termination codon in SMPD1, a gene where loss-of-function variants are known to be pathogenic. Please note: this variant was assessed in the context of healthy population screening.